The following is an entry in ClinVar:

NM_001199138.2(NLRC4):c.1625A>T (p.Glu542Val)

Gene: NLRC4 (NLR family CARD domain containing 4; minus strand). Cytogenetic location: 2p22.3.
Variant type: single nucleotide variant.
Coding change: c.1625A>T on transcript NM_001199138.2 (MANE Select); coding-DNA position 1625, A replaced by T.
Protein change: p.Glu542Val; replaces glutamic acid 542 with valine.
Molecular consequence: missense variant. On other transcripts: intron variant (1).
Genome position (GRCh38, 1-based): chr2:32,250,239, T>A on the plus strand (A>T on the coding strand, the complement: NLRC4 is on the minus strand). VCF-style: chr2-32250239-T-A. GRCh37 (hg19) VCF-style: chr2-32475308-T-A.
Other names: c.1625A>T, p.Glu542Val (NM_021209.5, NM_001199139.2); c.262+2180A>T (NM_001302504.1); short protein forms E542V.
Identifiers: ClinVar variation 1525282 (VCV001525282.8), dbSNP rs1319552496, ClinGen allele CA346512062.

ClinVar aggregate classification (germline): Uncertain significance (1 of 4 stars; one submission).

Conditions:
Periodic fever-infantile enterocolitis-autoinflammatory syndrome. Also called: Autoinflammation with infantile enterocolitis. Identifiers: Orphanet 436166, MedGen C4015067, MONDO:0014472, OMIM 616050.
Familial cold autoinflammatory syndrome 4 (FCAS4). Identifiers: Orphanet 47045, Orphanet 576349, MedGen C4015276, MONDO:0014498, OMIM 616115.

Submission:

Labcorp Genetics (formerly Invitae), Labcorp
Classification: Uncertain significance for Periodic fever-infantile enterocolitis-autoinflammatory syndrome; Familial cold autoinflammatory syndrome 4. Last evaluated: 2021-06-09. Review status: criteria provided, single submitter. Criteria: Invitae Variant Classification Sherloc (09022015). Collection method: clinical testing. Allele origin: germline.
Comment: This variant is not present in population databases (ExAC no frequency). This sequence change replaces glutamic acid with valine at codon 542 of the NLRC4 protein (p.Glu542Val). The glutamic acid residue is moderately conserved and there is a moderate physicochemical difference between glutamic acid and valine. This variant has not been reported in the literature in individuals with NLRC4-related conditions. In summary, the available evidence is currently insufficient to determine the role of this variant in disease. Therefore, it has been classified as a Variant of Uncertain Significance. Algorithms developed to predict the effect of missense changes on protein structure and function (SIFT, PolyPhen-2, Align-GVGD) all suggest that this variant is likely to be tolerated, but these predictions have not been confirmed by published functional studies and their clinical significance is uncertain.